The following is an entry in ClinVar:

ClinVar aggregate classification (germline): Uncertain significance (1 of 4 stars; one submission).

Submission:

GeneDx
Classification: Uncertain significance. Last evaluated: 2024-09-19. Review status: criteria provided, single submitter. Criteria: GeneDx Variant Classification Process June 2021. Collection method: clinical testing. Allele origin: germline. Affected: yes.
Comment: Not observed at significant frequency in large population cohorts (gnomAD); In silico analysis supports that this missense variant has a deleterious effect on protein structure/function; Has not been previously published as pathogenic or benign to our knowledge

NM_014991.6(WDFY3):c.8905T>C (p.Phe2969Leu)

Gene: WDFY3 (WD repeat and FYVE domain containing 3; minus strand). Cytogenetic location: 4q21.23.
Variant type: single nucleotide variant.
Coding change: c.8905T>C on transcript NM_014991.6 (MANE Select); coding-DNA position 8905, T replaced by C.
Protein change: p.Phe2969Leu; replaces phenylalanine 2969 with leucine.
Molecular consequence: missense variant.
Genome position (GRCh38, 1-based): chr4:84,693,029, A>G on the plus strand (T>C on the coding strand, the complement: WDFY3 is on the minus strand). VCF-style: chr4-84693029-A-G. GRCh37 (hg19) VCF-style: chr4-85614182-A-G.
Other names: short protein forms F2969L.
Identifiers: ClinVar variation 3774103 (VCV003774103.1).